The following is an entry in ClinVar:

NM_145199.3(LIPT1):c.406G>T (p.Ala136Ser)

Genes: LIPT1 (lipoyltransferase 1; plus strand), MITD1 (microtubule interacting and trafficking domain containing 1; minus strand). Cytogenetic location: 2q11.2.
Variant type: single nucleotide variant.
Coding change: c.406G>T on transcript NM_145199.3 (MANE Select); coding-DNA position 406, G replaced by T.
Protein change: p.Ala136Ser; replaces alanine 136 with serine.
Molecular consequence: missense variant. On other transcripts: non-coding transcript variant (2).
Genome position (GRCh38, 1-based): chr2:99,162,363, G>T. VCF-style: chr2-99162363-G-T. GRCh37 (hg19) VCF-style: chr2-99778826-G-T.
Other names: c.406G>T, p.Ala136Ser (NM_001204830.2, NM_015929.4, NM_145197.3 and 1 more transcripts); short protein forms A136S.
Identifiers: ClinVar variation 1375844 (VCV001375844.3), dbSNP rs368847750, ClinGen allele CA1797310.

ClinVar aggregate classification (germline): Uncertain significance (1 of 4 stars; one submission).

Allele frequency attached by ClinVar (database versions not stated): gnomAD exomes below 0.00001; ExAC 0.00002; gnomAD 0.00004; ESP Exome Variant Server 0.00008.
gnomAD v4.1: 12 of 1,613,780 alleles (0.00074%); highest among the groups gnomAD compares: Non-Finnish European, 0.001%; no homozygotes.

Submission:

Labcorp Genetics (formerly Invitae), Labcorp
Classification: Uncertain significance. Last evaluated: 2022-09-19. Review status: criteria provided, single submitter. Criteria: Invitae Variant Classification Sherloc (09022015). Collection method: clinical testing. Allele origin: germline.
Comment: This sequence change replaces alanine, which is neutral and non-polar, with serine, which is neutral and polar, at codon 136 of the LIPT1 protein (p.Ala136Ser). This variant is present in population databases (rs368847750, gnomAD 0.007%). This variant has not been reported in the literature in individuals affected with LIPT1-related conditions. ClinVar contains an entry for this variant (Variation ID: 1375844). Advanced modeling of protein sequence and biophysical properties (such as structural, functional, and spatial information, amino acid conservation, physicochemical variation, residue mobility, and thermodynamic stability) performed at Invitae indicates that this missense variant is not expected to disrupt LIPT1 protein function. In summary, the available evidence is currently insufficient to determine the role of this variant in disease. Therefore, it has been classified as a Variant of Uncertain Significance.